The following is an entry in ClinVar:

NM_002772.3(TMPRSS15):c.327_328del (p.Arg110fs)

Gene: TMPRSS15 (transmembrane serine protease 15; minus strand). Cytogenetic location: 21q21.1.
Variant type: Deletion.
Coding change: c.327_328del on transcript NM_002772.3 (MANE Select); coding-DNA positions 327 to 328, 2 bases deleted (AA; older notation c.327_328delAA).
Protein change: p.Arg110fs; shifts the reading frame from arginine 110.
Molecular consequence: frameshift variant.
Genome position (GRCh38, 1-based): chr21:18,397,895-18,397,896, TT deleted on the plus strand (AA on the coding strand, the reverse complement: TMPRSS15 is on the minus strand). VCF-style (leftmost placement, unchanged base first): chr21-18397894-CTT-C. GRCh37 (hg19) VCF-style: chr21-19770211-CTT-C.
Other names: c.327_328del (NM_002772.2); short protein forms R110fs.
Identifiers: ClinVar variation 2186408 (VCV002186408.7), dbSNP rs769853972, ClinGen allele CA9984797.

ClinVar aggregate classification (germline): Conflicting classifications of pathogenicity. Review status: criteria provided, conflicting classifications (1 of 4 stars). 4 submissions from 4 submitters: Pathogenic (1); Likely pathogenic (2); Uncertain significance (1). Last evaluated 2025-08-03.

Conditions:
Enterokinase deficiency. Also called: ENTEROPEPTIDASE DEFICIENCY; Congenital enteropathy due to enteropeptidase deficiency; Deficiency of enteropeptidase. Identifiers: Orphanet 168601, MedGen C0268416, MONDO:0009173, OMIM 226200.

Allele frequency attached by ClinVar (database versions not stated): gnomAD 0.00003; TOPMed 0.00003; ExAC 0.00004; gnomAD exomes 0.00007.

Submissions (4):

Labcorp Genetics (formerly Invitae), Labcorp
Classification: Pathogenic. Last evaluated: 2025-08-03. Review status: criteria provided, single submitter. Criteria: Invitae Variant Classification Sherloc (09022015). Collection method: clinical testing. Allele origin: germline.
Comment: This sequence change creates a premature translational stop signal (p.Arg110Serfs*5) in the TMPRSS15 gene. It is expected to result in an absent or disrupted protein product. Loss-of-function variants in TMPRSS15 are known to be pathogenic (PMID: 11719902). This variant is present in population databases (rs769853972, gnomAD 0.006%). This variant has not been reported in the literature in individuals affected with TMPRSS15-related conditions. ClinVar contains an entry for this variant (Variation ID: 2186408). For these reasons, this variant has been classified as Pathogenic.

GeneDx
Classification: Uncertain significance. Last evaluated: 2024-09-06. Review status: criteria provided, single submitter. Criteria: GeneDx Variant Classification Process June 2021. Collection method: clinical testing. Allele origin: germline. Affected: yes.
Comment: Frameshift variant predicted to result in protein truncation or nonsense mediated decay in a gene for which loss of function is a known mechanism of disease; Has not been previously published as pathogenic or benign to our knowledge

Revvity Omics, Revvity
Classification: Likely pathogenic for Enterokinase deficiency. Last evaluated: 2023-12-18. Review status: criteria provided, single submitter. Criteria: ACMG Guidelines, 2015. Collection method: clinical testing. Allele origin: germline.

Department of Pathology and Laboratory Medicine, Sinai Health System
Classification: Likely pathogenic for Enterokinase deficiency. Last evaluated: 2023-02-13. Review status: criteria provided, single submitter. Criteria: ACMG Guidelines, 2015. Collection method: research. Allele origin: germline.

Literature cited by the submitters: PubMed 11719902 (cited by Labcorp Genetics (formerly Invitae), Labcorp).